The following is an entry in ClinVar:

NM_001378964.1(CDON):c.192C>G (p.Asn64Lys)

Gene: CDON (cell adhesion associated, oncogene regulated; minus strand). Cytogenetic location: 11q24.2.
Variant type: single nucleotide variant.
Coding change: c.192C>G on transcript NM_001378964.1 (MANE Select); coding-DNA position 192, C replaced by G.
Protein change: p.Asn64Lys; replaces asparagine 64 with lysine.
Molecular consequence: missense variant.
Genome position (GRCh38, 1-based): chr11:126,021,405, G>C on the plus strand (C>G on the coding strand, the complement: CDON is on the minus strand). VCF-style: chr11-126021405-G-C. GRCh37 (hg19) VCF-style: chr11-125891300-G-C.
Other names: c.192C>G, p.Asn64Lys (NM_001243597.3, NM_016952.6); short protein forms N64K.
Identifiers: ClinVar variation 1801121 (VCV001801121.1), dbSNP rs747564175, ClinGen allele CA383212149.

ClinVar aggregate classification (germline): Uncertain significance (1 of 4 stars; one submission).

Submission:

GeneDx
Classification: Uncertain significance. Last evaluated: 2022-11-01. Review status: criteria provided, single submitter. Criteria: GeneDx Variant Classification Process June 2021. Collection method: clinical testing. Allele origin: germline. Affected: yes.
Comment: Not observed at significant frequency in large population cohorts (gnomAD); In silico analysis supports that this missense variant has a deleterious effect on protein structure/function; Has not been previously published as pathogenic or benign to our knowledge; This variant is associated with the following publications: (PMID: 27535533)